The following is an entry in ClinVar:

ClinVar aggregate classification (germline): Uncertain significance (1 of 4 stars; one submission).

Conditions:
Oculofaciocardiodental syndrome (MCOPS2). Identifiers: Orphanet 2712, MedGen C1846265, MONDO:0010261, OMIM 300166.

Allele frequency attached by ClinVar (database versions not stated): ExAC 0.00001; gnomAD 0.00001; gnomAD exomes 0.00002; TOPMed 0.00005; ESP Exome Variant Server 0.00009.
gnomAD v4.1: 8 of 1,211,320 alleles (0.00066%); highest among the groups gnomAD compares: Middle Eastern, 0.091%; no homozygotes.

Submission:

Labcorp Genetics (formerly Invitae), Labcorp
Classification: Uncertain significance for Oculofaciocardiodental syndrome. Last evaluated: 2025-01-23. Review status: criteria provided, single submitter. Criteria: Invitae Variant Classification Sherloc (09022015). Collection method: clinical testing. Allele origin: germline.
Comment: This sequence change replaces serine, which is neutral and polar, with cysteine, which is neutral and slightly polar, at codon 637 of the BCOR protein (p.Ser637Cys). This variant is present in population databases (rs148052848, gnomAD 0.02%). This missense change has been observed in individual(s) with congenital heart disease (PMID: 36314054). ClinVar contains an entry for this variant (Variation ID: 1400816). An algorithm developed to predict the effect of missense changes on protein structure and function (PolyPhen-2) suggests that this variant is likely to be disruptive. In summary, the available evidence is currently insufficient to determine the role of this variant in disease. Therefore, it has been classified as a Variant of Uncertain Significance.

Literature cited by the submitters: PubMed 36314054.

NM_001123385.2(BCOR):c.1910C>G (p.Ser637Cys)

Gene: BCOR (BCL6 corepressor; minus strand). Cytogenetic location: Xp11.4.
Variant type: single nucleotide variant.
Coding change: c.1910C>G on transcript NM_001123385.2 (MANE Select); coding-DNA position 1910, C replaced by G.
Protein change: p.Ser637Cys; replaces serine 637 with cysteine.
Molecular consequence: missense variant.
Genome position (GRCh38, 1-based): chrX:40,073,436, G>C on the plus strand (C>G on the coding strand, the complement: BCOR is on the minus strand). VCF-style: chrX-40073436-G-C. GRCh37 (hg19) VCF-style: chrX-39932689-G-C.
Other names: c.1910C>G, p.Ser637Cys (NM_001123383.2, NM_001123384.2, NM_017745.6); short protein forms S637C.
Identifiers: ClinVar variation 1400816 (VCV001400816.7), dbSNP rs148052848, ClinGen allele CA10386860.